The following is an entry in ClinVar:

NM_001128840.3(CACNA1D):c.2805G>C (p.Leu935=)

Gene: CACNA1D (calcium voltage-gated channel subunit alpha1 D; plus strand). Cytogenetic location: 3p21.1.
Variant type: single nucleotide variant.
Coding change: c.2805G>C on transcript NM_001128840.3 (MANE Select); coding-DNA position 2805, G replaced by C.
Protein change: p.Leu935=; no amino-acid change (leucine 935 retained).
Molecular consequence: synonymous variant.
Genome position (GRCh38, 1-based): chr3:53,740,333, G>C. VCF-style: chr3-53740333-G-C. GRCh37 (hg19) VCF-style: chr3-53774360-G-C.
Other names: c.2865G>C, p.Leu955= (NM_000720.4); c.2805G>C, p.Leu935= (NM_001128839.3).
Identifiers: ClinVar variation 501392 (VCV000501392.22), dbSNP rs150266932, ClinGen allele CA2454356.
Genomic context (GRCh38, chr3:53,740,333, plus strand): 5'-CTTGCAGATACTGGGTTACTTTGACTATGCCTTCACAGCCATCTTTACTGTTGAGATCCT[G>C]TTGAAGGTAATGAATTTTCCTTGATCTTCACATACTCCACAGCAGCTGGAGCAATAATAG-3'
Protein context (NP_001122312.1, residues 925-945): AFTAIFTVEI[Leu935=]LKMTTFGAFL

ClinVar aggregate classification (germline): Conflicting classifications of pathogenicity. Review status: criteria provided, conflicting classifications (1 of 4 stars). 7 submissions from 7 submitters: Uncertain significance (1); Likely benign (4). 2 of the submissions do not count toward it. Last evaluated 2026-02-01.

Allele frequency attached by ClinVar (database versions not stated): 1000 Genomes Project 0.00080; gnomAD 0.00099 and 0.00101; TOPMed 0.00107; 1000 Genomes Project 30x 0.00109; ESP Exome Variant Server 0.00146.
gnomAD v4.1: 755 of 1,607,828 alleles (0.047%); highest among the groups gnomAD compares: African/African-American, 0.2%; 1 homozygote.

Submissions (7):

Labcorp Genetics (formerly Invitae), Labcorp
Classification: Likely benign. Last evaluated: 2026-02-01. Review status: criteria provided, single submitter. Criteria: Invitae Variant Classification Sherloc (09022015). Collection method: clinical testing. Allele origin: germline.

Blueprint Genetics
Classification: Likely benign. Last evaluated: 2024-07-16. Review status: criteria provided, single submitter. Criteria: ACMG Guidelines, 2015. Collection method: clinical testing. Allele origin: germline.

GeneDx
Classification: Likely benign. Last evaluated: 2020-11-30. Review status: criteria provided, single submitter. Criteria: GeneDx Variant Classification Process June 2021. Collection method: clinical testing. Allele origin: germline. Affected: yes.

Laboratory for Molecular Medicine, Mass General Brigham Personalized Medicine
Classification: Likely benign. Last evaluated: 2017-12-21. Review status: criteria provided, single submitter. Criteria: LMM Criteria. Collection method: clinical testing. Allele origin: germline. Observed: 2 variant alleles.
Comment: p.Leu955Leu in exon 22 of CACNA1D: This variant is not expected to have clinical significance because it does not alter an amino acid residue and is not located within the splice consensus sequence. It has been identified in 0.23% (55/24024 ) of African chromosomes by the Genome Aggregation Database (gnomAD; dbSNP rs150266932). ACMG/AMP criteria applied: BS1, BP7.

Eurofins Ntd Llc (ga)
Classification: Uncertain significance. Last evaluated: 2017-04-28. Review status: criteria provided, single submitter. Criteria: EGL Classification Definitions 2015. Collection method: clinical testing. Allele origin: germline. Observed: 1 variant allele, 1 heterozygote.

Clinical Genetics DNA and cytogenetics Diagnostics Lab, Erasmus MC, Erasmus Medical Center
Classification: Benign. Review status: no assertion criteria provided. Collection method: clinical testing. Allele origin: germline. Affected: yes. Study: VKGL Data-share Consensus. Not counted in ClinVar's aggregate classification.

Clinical Genetics, Academic Medical Center
Classification: Benign. Review status: no assertion criteria provided. Collection method: clinical testing. Allele origin: germline. Affected: yes. Study: VKGL Data-share Consensus. Not counted in ClinVar's aggregate classification.